The following is an entry in ClinVar:

ClinVar aggregate classification (germline): Uncertain significance. Review status: criteria provided, multiple submitters, no conflicts (2 of 4 stars). 2 submissions from 2 submitters: Uncertain significance (2). Last evaluated 2023-12-01.

Conditions:
Inborn genetic diseases. Identifiers: MedGen C0950123, MeSH D030342.

Allele frequency attached by ClinVar (database versions not stated): TOPMed below 0.00001; gnomAD 0.00001; gnomAD exomes 0.00002 and 0.00003; ExAC 0.00006.
gnomAD v4.1: 25 of 1,612,976 alleles (0.0015%); highest among the groups gnomAD compares: South Asian, 0.0055%; no homozygotes.

Submissions (2):

Ambry Genetics
Classification: Uncertain significance for Inborn genetic diseases. Last evaluated: 2023-12-01. Review status: criteria provided, single submitter. Criteria: Ambry Variant Classification Scheme 2023. Collection method: clinical testing. Allele origin: germline.

Labcorp Genetics (formerly Invitae), Labcorp
Classification: Uncertain significance. Last evaluated: 2023-10-03. Review status: criteria provided, single submitter. Criteria: Invitae Variant Classification Sherloc (09022015). Collection method: clinical testing. Allele origin: germline.
Comment: This sequence change replaces arginine, which is basic and polar, with tryptophan, which is neutral and slightly polar, at codon 730 of the CFB protein (p.Arg730Trp). This variant is present in population databases (rs112646781, gnomAD 0.01%). This variant has not been reported in the literature in individuals affected with CFB-related conditions. ClinVar contains an entry for this variant (Variation ID: 1462850). An algorithm developed to predict the effect of missense changes on protein structure and function (PolyPhen-2) suggests that this variant is likely to be tolerated. In summary, the available evidence is currently insufficient to determine the role of this variant in disease. Therefore, it has been classified as a Variant of Uncertain Significance.

NM_001710.6(CFB):c.2188C>T (p.Arg730Trp)

Gene: CFB (complement factor B; plus strand). Cytogenetic location: 6p21.33.
Variant type: single nucleotide variant.
Coding change: c.2188C>T on transcript NM_001710.6 (MANE Select); coding-DNA position 2188, C replaced by T.
Protein change: p.Arg730Trp; replaces arginine 730 with tryptophan.
Molecular consequence: missense variant.
Genome position (GRCh38, 1-based): chr6:31,951,923, C>T. VCF-style: chr6-31951923-C-T. GRCh37 (hg19) VCF-style: chr6-31919700-C-T.
Other names: c.2188C>T (NM_001710.5); short protein forms R730W.
Identifiers: ClinVar variation 1462850 (VCV001462850.9), dbSNP rs112646781, ClinGen allele CA3728595.